The following is an entry in ClinVar:

NM_001347721.2(DYRK1A):c.1740del (p.His581fs)

Gene: DYRK1A (dual specificity tyrosine phosphorylation regulated kinase 1A; plus strand). Cytogenetic location: 21q22.13.
Variant type: Deletion.
Coding change: c.1740del on transcript NM_001347721.2 (MANE Select); coding-DNA position 1740, one base deleted (T; older notation c.1740delT).
Protein change: p.His581fs; shifts the reading frame from histidine 581.
Molecular consequence: frameshift variant. On other transcripts: 3 prime UTR variant (2).
Genome position (GRCh38, 1-based): chr21:37,512,006, T deleted; the last of 3 consecutive T bases (chr21:37,512,004-37,512,006); deleting any one gives the same sequence. VCF-style (leftmost placement, unchanged base first): chr21-37512003-CT-C. GRCh37 (hg19) VCF-style: chr21-38884306-CT-C.
Other names: c.*52del (NM_130438.2); c.1740del, p.His581fs (NM_001347722.2, NM_130436.2); c.1653del, p.His552fs (NM_001347723.2); c.1767del, p.His590fs (NM_001396.5); c.*143del (NM_101395.2); short protein forms H552fs, H581fs, H590fs.
Identifiers: ClinVar variation 4795198 (VCV004795198.1).
Genomic context (GRCh38, chr21:37,512,003, plus strand): 5'-GTCAGGCACTGAAGCTCCTACACAGGTCACTGTTGAAACTCATCCTGTTCAAGAAACAAC[CT>C]TTCATGTAGCCCCTCAACAGAATGCATTGCATCATCACCATGGTAACAGTTCCCATCACC-3'

ClinVar aggregate classification (germline): Uncertain significance (1 of 4 stars; one submission).

Conditions:
DYRK1A-related intellectual disability syndrome (MRD7). Also called: DYRK1A Syndrome; Intellectual developmental disorder, autosomal dominant 7. Identifiers: Orphanet 464306, MedGen C5568143, MONDO:0013578, OMIM 614104.

Submission:

Laboratorio de Biologia Molecular/Medicina Genomica - IFF/Fiocruz, Instituto Fernandes Figueira, Fundacao Oswaldo Cruz
Classification: Uncertain significance for DYRK1A-related intellectual disability syndrome. Last evaluated: 2025-09-02. Review status: criteria provided, single submitter. Criteria: ACMG Guidelines, 2015. Collection method: clinical testing. Allele origin: germline. Affected: yes. Observed: 1 variant allele.
Comment: Variant: c.1740del (p.His581MetfsTer2) in exon 12 of the DYRK1A gene. Protein effect: Frameshift variant predicted to undergo NMD in a gene where LoF is a known mechanism of disease. Population database (gnomAD): Absent. ACMG/AMP criteria applied: PVS1_Strong, PM2_Supporting.